The following is an entry in ClinVar:

NM_052947.4(ALPK2):c.5467A>G (p.Lys1823Glu)

Gene: ALPK2 (alpha kinase 2; minus strand). Cytogenetic location: 18q21.31.
Variant type: single nucleotide variant.
Coding change: c.5467A>G on transcript NM_052947.4 (MANE Select); coding-DNA position 5467, A replaced by G.
Protein change: p.Lys1823Glu; replaces lysine 1823 with glutamic acid.
Molecular consequence: missense variant.
Genome position (GRCh38, 1-based): chr18:58,529,125, T>C on the plus strand (A>G on the coding strand, the complement: ALPK2 is on the minus strand). VCF-style: chr18-58529125-T-C. GRCh37 (hg19) VCF-style: chr18-56196357-T-C.
Other names: short protein forms K1823E.
Identifiers: ClinVar variation 1747694 (VCV001747694.2), dbSNP rs2518869478, ClinGen allele CA402553752.

ClinVar aggregate classification (germline): Uncertain significance (1 of 4 stars; one submission).

Allele frequency attached by ClinVar (database versions not stated): gnomAD exomes below 0.00001.
gnomAD v4.1: 2 of 1,614,162 alleles (0.00012%); highest among the groups gnomAD compares: Non-Finnish European, 0.00017%; no homozygotes.

Submission:

Ambry Genetics
Classification: Uncertain significance. Last evaluated: 2021-12-30. Review status: criteria provided, single submitter. Criteria: Ambry Variant Classification Scheme 2023. Collection method: clinical testing. Allele origin: germline.
Comment: The p.K1823E variant (also known as c.5467A>G), located in coding exon 5 of the ALPK2 gene, results from an A to G substitution at nucleotide position 5467. The lysine at codon 1823 is replaced by glutamic acid, an amino acid with similar properties. This amino acid position is conserved. In addition, the in silico prediction for this alteration is inconclusive. Since supporting evidence is limited at this time, the clinical significance of this alteration remains unclear.